The following is an entry in ClinVar:

NM_005475.3(SH2B3):c.269G>C (p.Arg90Pro)

Gene: SH2B3 (SH2B adaptor protein 3; plus strand). Cytogenetic location: 12q24.12.
Variant type: single nucleotide variant.
Coding change: c.269G>C on transcript NM_005475.3 (MANE Select); coding-DNA position 269, G replaced by C.
Protein change: p.Arg90Pro; replaces arginine 90 with proline.
Molecular consequence: missense variant.
Genome position (GRCh38, 1-based): chr12:111,418,414, G>C. VCF-style: chr12-111418414-G-C. GRCh37 (hg19) VCF-style: chr12-111856218-G-C.
Other names: short protein forms R90P.
Identifiers: ClinVar variation 4163971 (VCV004163971.1).
Genomic context (GRCh38, chr12:111,418,414, plus strand): 5'-TCTTCCAGCGCTACTTCTGCCGCGAGGTGCGCGACGGACGGGCGCCGGGCCGCGACTACC[G>C]GGACACAGGCCGTGGGCCCCCAGCCAAGGCCGAGGCGTCCCCGGAGCCAGGCCCCGGCCC-3'
Protein context (NP_005466.1, residues 80-100): RDGRAPGRDY[Arg90Pro]DTGRGPPAKA

ClinVar aggregate classification (germline): Uncertain significance (1 of 4 stars; one submission).

Conditions:
Inborn genetic diseases. Identifiers: MedGen C0950123, MeSH D030342.

gnomAD v4.1: 2 of 1,483,916 alleles (0.00013%); highest among the groups gnomAD compares: Non-Finnish European, 0.00018%; no homozygotes.

Submission:

Ambry Genetics
Classification: Uncertain significance for Inborn genetic diseases. Last evaluated: 2025-07-31. Review status: criteria provided, single submitter. Criteria: Ambry Variant Classification Scheme 2023. Collection method: clinical testing. Allele origin: germline.
Comment: The p.R90P variant (also known as c.269G>C), located in coding exon 1 of the SH2B3 gene, results from a G to C substitution at nucleotide position 269. The arginine at codon 90 is replaced by proline, an amino acid with dissimilar properties. This amino acid position is conserved. In addition, this alteration is predicted to be tolerated by in silico analysis. Based on the available evidence, the clinical significance of this variant remains unclear.